The following is an entry in ClinVar:

ClinVar aggregate classification (germline): Likely benign. Review status: criteria provided, multiple submitters, no conflicts (2 of 4 stars). 2 submissions from 2 submitters: Likely benign (2). Last evaluated 2026-01-19.

Conditions:
Glutaric aciduria, type 1. Also called: Glutaric acidemia type I; Glutaricacidemia Type 1; Glutaricaciduria, type I; Glutaryl-CoA dehydrogenase deficiency; GA I; Glutaric Acidemia Type 1. Identifiers: Orphanet 25, MedGen C0268595, MONDO:0009281, OMIM 231670.
GCDH-related disorder. Also called: GCDH-related condition.

Allele frequency attached by ClinVar (database versions not stated): ESP Exome Variant Server 0.00008; gnomAD exomes 0.00009; ExAC 0.00012; gnomAD 0.00021; TOPMed 0.00034; 1000 Genomes Project 30x 0.00094; 1000 Genomes Project 0.00100.

Submissions (2):

Labcorp Genetics (formerly Invitae), Labcorp
Classification: Likely benign for Glutaric aciduria, type 1. Last evaluated: 2026-01-19. Review status: criteria provided, single submitter. Criteria: Invitae Variant Classification Sherloc (09022015). Collection method: clinical testing. Allele origin: germline.

PreventionGenetics, part of Exact Sciences
Classification: Likely benign for GCDH-related condition. Last evaluated: 2025-04-17. Review status: criteria provided, single submitter. Criteria: ACMG Guidelines, 2015. Collection method: clinical testing. Allele origin: germline.
Comment: This variant is classified as likely benign based on ACMG/AMP sequence variant interpretation guidelines (Richards et al. 2015 PMID: 25741868, with internal and published modifications).

NM_000159.4(GCDH):c.127+9C>T

Genes: GCDH (glutaryl-CoA dehydrogenase; plus strand), LOC117125594 (CRISPRi-FlowFISH-validated KLF1 regulatory element; plus strand). Cytogenetic location: 19p13.13.
Variant type: single nucleotide variant.
Coding change: c.127+9C>T on transcript NM_000159.4 (MANE Select); 9 bases into the intron after coding-DNA position 127, C replaced by T.
Molecular consequence: intron variant. On other transcripts: non-coding transcript variant (1).
Genome position (GRCh38, 1-based): chr19:12,891,531, C>T. VCF-style: chr19-12891531-C-T. GRCh37 (hg19) VCF-style: chr19-13002345-C-T.
Other names: c.127+9C>T (NM_013976.5, NM_000159.3).
Identifiers: ClinVar variation 1107277 (VCV001107277.10), dbSNP rs142568445, ClinGen allele CA9234213.
Genomic context (GRCh38, chr19:12,891,531, plus strand): 5'-CGTTCTGTGCTTGCAGAGAAAGGCGGGAGAACACAGAGCCAACTGGCTAAGTGTAAGGAC[C>T]TCTGGTCGCACCGTGTGTCTGCTGCCCCTGTTCAGCTGTCTGTCTGCCGCAGGTGGACTC-3'